The following is an entry in ClinVar:

ClinVar aggregate classification (germline): Uncertain significance (1 of 4 stars; one submission).

Conditions:
Microphthalmia, syndromic 11 (MCOPS11). Identifiers: MedGen C3553077, MONDO:0013734, OMIM 614402.

Submission:

Labcorp Genetics (formerly Invitae), Labcorp
Classification: Uncertain significance for Microphthalmia, syndromic 11. Last evaluated: 2024-03-31. Review status: criteria provided, single submitter. Criteria: Invitae Variant Classification Sherloc (09022015). Collection method: clinical testing. Allele origin: germline.
Comment: This sequence change replaces glutamic acid, which is acidic and polar, with alanine, which is neutral and non-polar, at codon 183 of the VAX1 protein (p.Glu183Ala). This variant is not present in population databases (gnomAD no frequency). This variant has not been reported in the literature in individuals affected with VAX1-related conditions. Advanced modeling of protein sequence and biophysical properties (such as structural, functional, and spatial information, amino acid conservation, physicochemical variation, residue mobility, and thermodynamic stability) performed at Invitae indicates that this missense variant is not expected to disrupt VAX1 protein function with a negative predictive value of 80%. In summary, the available evidence is currently insufficient to determine the role of this variant in disease. Therefore, it has been classified as a Variant of Uncertain Significance.

NM_001112704.2(VAX1):c.548A>C (p.Glu183Ala)

Gene: VAX1 (ventral anterior homeobox 1; minus strand). Cytogenetic location: 10q25.3.
Variant type: single nucleotide variant.
Coding change: c.548A>C on transcript NM_001112704.2 (MANE Select); coding-DNA position 548, A replaced by C.
Protein change: p.Glu183Ala; replaces glutamic acid 183 with alanine.
Molecular consequence: missense variant. On other transcripts: intron variant (1).
Genome position (GRCh38, 1-based): chr10:117,134,465, T>G on the plus strand (A>C on the coding strand, the complement: VAX1 is on the minus strand). VCF-style: chr10-117134465-T-G. GRCh37 (hg19) VCF-style: chr10-118893976-T-G.
Other names: c.430-1988A>C (NM_199131.3); short protein forms E183A.
Identifiers: ClinVar variation 3700024 (VCV003700024.2).
Genomic context (GRCh38, chr10:117,134,465, plus strand): 5'-CCCGTGGCGCAAGGCGGCAGCAGCGCAGGCAGGCCGGGCGGCGACAACAGGCGGCCCTGC[T>G]CCAGCAGCCGTAGCACGCTGCACGTGGCCGCGGTCTCCGACACCACCGAGCGTAGCTCCG-3'
Protein context (NP_001106175.1, residues 173-193): AATCSVLRLL[Glu183Ala]QGRLLSPPGL